The following is an entry in ClinVar:

ClinVar aggregate classification (germline): Conflicting classifications of pathogenicity. Review status: criteria provided, conflicting classifications (1 of 4 stars). 6 submissions from 6 submitters: Uncertain significance (5); Likely benign (1). Last evaluated 2026-01-16.

Conditions:
Hereditary cancer. Identifiers: MedGen C1333600.
Fanconi anemia (FA). Also called: Fanconi's anemia. Identifiers: Orphanet 84, MedGen C0015625, MeSH D005199, MONDO:0019391.
Spermatogenic failure 28. Identifiers: MedGen C4748117, MONDO:0054732, OMIM 618086.
Premature ovarian failure 15. Identifiers: MedGen C4748170, MONDO:0054862, OMIM 618096.
Hereditary cancer-predisposing syndrome. Also called: Neoplastic Syndromes, Hereditary; Tumor predisposition; Hereditary Cancer Syndrome; Hereditary neoplastic syndrome. Identifiers: Orphanet 140162, MedGen C0027672, MeSH D009386, MONDO:0015356.

Allele frequency attached by ClinVar (database versions not stated): gnomAD exomes 0.00005; gnomAD 0.00006; TOPMed 0.00010.
gnomAD v4.1: 76 of 1,592,650 alleles (0.0048%); highest among the groups gnomAD compares: Admixed American, 0.079%; 1 homozygote.

Submissions (6):

Labcorp Genetics (formerly Invitae), Labcorp
Classification: Uncertain significance for Fanconi anemia. Last evaluated: 2026-01-16. Review status: criteria provided, single submitter. Criteria: Invitae Variant Classification Sherloc (09022015). Collection method: clinical testing. Allele origin: germline.
Comment: This sequence change replaces arginine, which is basic and polar, with glutamine, which is neutral and polar, at codon 398 of the FANCM protein (p.Arg398Gln). This variant is present in population databases (rs530233908, gnomAD 0.1%). This missense change has been observed in individual(s) with breast cancer (PMID: 30613976). ClinVar contains an entry for this variant (Variation ID: 653476). An algorithm developed to predict the effect of missense changes on protein structure and function (PolyPhen-2) suggests that this variant is likely to be disruptive. In summary, the available evidence is currently insufficient to determine the role of this variant in disease. Therefore, it has been classified as a Variant of Uncertain Significance.

Mendelics
Classification: Likely benign for Hereditary cancer. Last evaluated: 2025-02-26. Review status: criteria provided, single submitter. Criteria: ACMG Guidelines, 2015. Collection method: clinical testing. Allele origin: unknown.
Comment: This variant is considered likely benign or benign based on one or more of the following: it is predicted to be benign by multiple in silico algorithms, and/or has population frequency not consistent with disease, and/or has normal protein function, and/or has lack of segregation with disease, and/or has been detected in co-occurrence with known pathogenic variant, and/or has lack of disease association in case-control studies, and/or is located in a region inconsistent with a known cause of pathogenicity.

Quest Diagnostics Nichols Institute San Juan Capistrano
Classification: Uncertain significance. Last evaluated: 2024-12-27. Review status: criteria provided, single submitter. Criteria: Quest Diagnostics criteria. Collection method: clinical testing. Allele origin: unknown.
Comment: The FANCM c.1193G>A (p.Arg398Gln) variant has been reported in individuals with breast cancer (PMID: 30613976 (2019), 33471991 (2021), see also LOVD) and an unspecified hereditary cancer (PMID: 32235514 (2020)). This variant has also been identified in reportedly healthy individuals (PMID: 33471991 (2021), see also LOVD). The frequency of this variant in the general population (Genome Aggregation Database) is higher than would generally be expected for pathogenic variants in this gene. Analysis of this variant using bioinformatics tools for the prediction of the effect of amino acid changes on protein structure and function yielded predictions that this variant is benign. Based on the available information, we are unable to determine the clinical significance of this variant.

GeneDx
Classification: Uncertain significance. Last evaluated: 2024-10-16. Review status: criteria provided, single submitter. Criteria: GeneDx Variant Classification Process June 2021. Collection method: clinical testing. Allele origin: germline. Affected: yes.
Comment: In silico analysis supports that this missense variant has a deleterious effect on protein structure/function; Observed in an individual with breast cancer (PMID: 30613976); This variant is associated with the following publications: (PMID: 33471991, 30613976)

Fulgent Genetics
Classification: Uncertain significance for Spermatogenic failure 28; Premature ovarian failure 15. Last evaluated: 2024-04-18. Review status: criteria provided, single submitter. Criteria: ACMG Guidelines, 2015. Collection method: clinical testing. Allele origin: germline.

Sema4
Classification: Uncertain significance for Hereditary cancer-predisposing syndrome. Last evaluated: 2021-05-25. Review status: criteria provided, single submitter. Criteria: Sema4 Curation Guidelines. Collection method: curation. Allele origin: germline.
Comment: The FANCM c.1193G>A (p.R398Q) variant has been reported in heterozygosity in at least seven individuals with breast cancer (PMID: 33471991). It was observed in 38/34912 chromosomes, including 1 homozygote, in the Latino subpopulation in the large and broad cohorts of the Genome Aggregation Database (PMID: 32461654). The variant has been reported in ClinVar (Variation ID: 653476). In silico tools suggest the impact of the variant on protein function is inconclusive, though these predictions have not been confirmed by functional studies. The evidence is insufficient to meet ACMG/AMP criteria for classifying the variant as benign or pathogenic. Thus, the clinical significance of this variant is currently uncertain.

Literature cited by the submitters: PubMed 30613976 (cited by Labcorp Genetics (formerly Invitae), Labcorp and Quest Diagnostics Nichols Institute San Juan Capistrano); PubMed 33471991 (cited by Quest Diagnostics Nichols Institute San Juan Capistrano and Sema4); PubMed 32235514 (cited by Quest Diagnostics Nichols Institute San Juan Capistrano).

NM_020937.4(FANCM):c.1193G>A (p.Arg398Gln)

Gene: FANCM (FA complementation group M; plus strand). Cytogenetic location: 14q21.2.
Variant type: single nucleotide variant.
Coding change: c.1193G>A on transcript NM_020937.4 (MANE Select); coding-DNA position 1193, G replaced by A.
Protein change: p.Arg398Gln; replaces arginine 398 with glutamine.
Molecular consequence: missense variant.
Genome position (GRCh38, 1-based): chr14:45,154,706, G>A. VCF-style: chr14-45154706-G-A. GRCh37 (hg19) VCF-style: chr14-45623909-G-A.
Other names: c.1115G>A, p.Arg372Gln (NM_001308133.2); c.1193G>A, p.Arg398Gln (NM_001308134.2); c.1193G>A (NM_020937.3); short protein forms R372Q, R398Q.
Identifiers: ClinVar variation 653476 (VCV000653476.16), dbSNP rs530233908, ClinGen allele CA7168969.